The following is an entry in ClinVar:

ClinVar aggregate classification (germline): Uncertain significance (1 of 4 stars; one submission).

Submission:

GeneDx
Classification: Uncertain significance. Last evaluated: 2023-05-22. Review status: criteria provided, single submitter. Criteria: GeneDx Variant Classification Process June 2021. Collection method: clinical testing. Allele origin: germline. Affected: yes.
Comment: Not observed at significant frequency in large population cohorts (gnomAD); In silico analysis supports that this missense variant has a deleterious effect on protein structure/function; Has not been previously published as pathogenic or benign to our knowledge

NM_006005.3(WFS1):c.2003A>C (p.Gln668Pro)

Gene: WFS1 (wolframin ER transmembrane glycoprotein; plus strand). Cytogenetic location: 4p16.1.
Variant type: single nucleotide variant.
Coding change: c.2003A>C on transcript NM_006005.3 (MANE Select); coding-DNA position 2003, A replaced by C.
Protein change: p.Gln668Pro; replaces glutamine 668 with proline.
Molecular consequence: missense variant.
Genome position (GRCh38, 1-based): chr4:6,301,798, A>C. VCF-style: chr4-6301798-A-C. GRCh37 (hg19) VCF-style: chr4-6303525-A-C.
Other names: c.2003A>C, p.Gln668Pro (NM_001145853.1); short protein forms Q668P.
Identifiers: ClinVar variation 3343403 (VCV003343403.1).